The following is an entry in ClinVar:

ClinVar aggregate classification (germline): Pathogenic (1 of 4 stars; one submission).

Conditions:
Orthostatic hypotension 1 (ORTHYP1). Also called: NORADRENALINE DEFICIENCY; NOREPINEPHRINE DEFICIENCY; Orthostatic hypotension 1, due to DBH deficiency; Dopamine beta-hydroxylase deficiency. Identifiers: Orphanet 230, MedGen C4746777, MONDO:0009123, OMIM 223360.

gnomAD v4.1: 2 of 1,613,812 alleles (0.00012%); highest among the groups gnomAD compares: Middle Eastern, 0.016%; no homozygotes.

Submission:

Labcorp Genetics (formerly Invitae), Labcorp
Classification: Pathogenic for Orthostatic hypotension 1. Last evaluated: 2025-07-14. Review status: criteria provided, single submitter. Criteria: Invitae Variant Classification Sherloc (09022015). Collection method: clinical testing. Allele origin: germline.
Comment: This sequence change creates a premature translational stop signal (p.Gln75*) in the DBH gene. It is expected to result in an absent or disrupted protein product. Loss-of-function variants in DBH are known to be pathogenic (PMID: 7715704, 15060114). This variant is not present in population databases (gnomAD no frequency). This variant has not been reported in the literature in individuals affected with DBH-related conditions. For these reasons, this variant has been classified as Pathogenic.

Literature cited by the submitters: PubMed 7715704; PubMed 15060114.

NM_000787.4(DBH):c.223C>T (p.Gln75Ter)

Gene: DBH (dopamine beta-hydroxylase; plus strand). Cytogenetic location: 9q34.2.
Variant type: single nucleotide variant.
Coding change: c.223C>T on transcript NM_000787.4 (MANE Select); coding-DNA position 223, C replaced by T.
Protein change: p.Gln75Ter; replaces glutamine 75 with a stop codon.
Molecular consequence: nonsense.
Genome position (GRCh38, 1-based): chr9:133,636,594, C>T. VCF-style: chr9-133636594-C-T. GRCh37 (hg19) VCF-style: chr9-136501716-C-T.
Other names: short protein forms Q75*.
Identifiers: ClinVar variation 4708159 (VCV004708159.1).